The following is an entry in ClinVar:

NM_015311.3(OBSL1):c.3923G>A (p.Arg1308Gln)

Gene: OBSL1 (obscurin like cytoskeletal adaptor 1; minus strand). Cytogenetic location: 2q35.
Variant type: single nucleotide variant.
Coding change: c.3923G>A on transcript NM_015311.3 (MANE Select); coding-DNA position 3923, G replaced by A.
Protein change: p.Arg1308Gln; replaces arginine 1308 with glutamine.
Molecular consequence: missense variant.
Genome position (GRCh38, 1-based): chr2:219,557,486, C>T on the plus strand (G>A on the coding strand, the complement: OBSL1 is on the minus strand). VCF-style: chr2-219557486-C-T. GRCh37 (hg19) VCF-style: chr2-220422208-C-T.
Other names: c.3923G>A, p.Arg1308Gln (NM_001173431.2); c.3923G>A (NM_015311.2); short protein forms R1308Q.
Identifiers: ClinVar variation 1900605 (VCV001900605.5), dbSNP rs755451604, ClinGen allele CA2130714.

ClinVar aggregate classification (germline): Uncertain significance. Review status: criteria provided, multiple submitters, no conflicts (2 of 4 stars). 2 submissions from 2 submitters: Uncertain significance (2). Last evaluated 2024-07-26.

Conditions:
Inborn genetic diseases. Identifiers: MedGen C0950123, MeSH D030342.

Allele frequency attached by ClinVar (database versions not stated): ExAC 0.00006.
gnomAD v4.1: 54 of 1,552,598 alleles (0.0035%); highest among the groups gnomAD compares: East Asian, 0.0097%; no homozygotes.

Submissions (2):

Ambry Genetics
Classification: Uncertain significance for Inborn genetic diseases. Last evaluated: 2024-07-26. Review status: criteria provided, single submitter. Criteria: Ambry Variant Classification Scheme 2023. Collection method: clinical testing. Allele origin: germline.

Labcorp Genetics (formerly Invitae), Labcorp
Classification: Uncertain significance. Last evaluated: 2022-07-23. Review status: criteria provided, single submitter. Criteria: Invitae Variant Classification Sherloc (09022015). Collection method: clinical testing. Allele origin: germline.
Comment: This variant has not been reported in the literature in individuals affected with OBSL1-related conditions. In summary, the available evidence is currently insufficient to determine the role of this variant in disease. Therefore, it has been classified as a Variant of Uncertain Significance. Algorithms developed to predict the effect of missense changes on protein structure and function are either unavailable or do not agree on the potential impact of this missense change (SIFT: "Tolerated"; PolyPhen-2: "Probably Damaging"; Align-GVGD: "Class C0"). This variant is present in population databases (rs755451604, gnomAD 0.02%). This sequence change replaces arginine, which is basic and polar, with glutamine, which is neutral and polar, at codon 1308 of the OBSL1 protein (p.Arg1308Gln).